The following is an entry in ClinVar:

ClinVar aggregate classification (germline): Pathogenic/Likely pathogenic. Review status: criteria provided, multiple submitters, no conflicts (2 of 4 stars). 3 submissions from 3 submitters: Pathogenic (2); Likely pathogenic (1). Last evaluated 2025-09-29.

Conditions:
Polycystic kidney disease 2 (PKD2). Also called: POLYCYSTIC KIDNEY DISEASE 2 WITH OR WITHOUT POLYCYSTIC LIVER DISEASE; Polycystic Kidney Disease 2, Autosomal Dominant; POLYCYSTIC KIDNEY DISEASE, ADULT, TYPE II. Identifiers: MedGen C2751306, MONDO:0013131, OMIM 613095.

Submissions (3):

Mayo Clinic Laboratories, Mayo Clinic
Classification: Likely pathogenic. Last evaluated: 2025-09-29. Review status: criteria provided, single submitter. Criteria: ACMG Guidelines, 2015. Collection method: clinical testing. Allele origin: germline. Observed: 1 variant allele.
Comment: PM2_supporting, PVS1

Fulgent Genetics
Classification: Pathogenic for Polycystic kidney disease 2. Last evaluated: 2024-05-30. Review status: criteria provided, single submitter. Criteria: ACMG Guidelines, 2015. Collection method: clinical testing. Allele origin: germline.

Athena Diagnostics
Classification: Pathogenic. Last evaluated: 2019-06-13. Review status: criteria provided, single submitter. Criteria: Athena Diagnostics Criteria. Collection method: clinical testing. Allele origin: germline.
Comment: The variant creates a premature nonsense codon, and is therefore predicted to result in the loss of a functional protein. Found in at least one symptomatic patient, and not found in general population data.

Literature cited by the submitters: PubMed 35778421 (cited by Mayo Clinic Laboratories, Mayo Clinic); PubMed 37372416 (cited by Mayo Clinic Laboratories, Mayo Clinic).

NM_000297.4(PKD2):c.261G>A (p.Trp87Ter)

Genes: PKD2 (polycystin 2, transient receptor potential cation channel; plus strand), LOC129992813 (ATAC-STARR-seq lymphoblastoid silent region 15559; plus strand). Cytogenetic location: 4q22.1.
Variant type: single nucleotide variant.
Coding change: c.261G>A on transcript NM_000297.4 (MANE Select); coding-DNA position 261, G replaced by A.
Protein change: p.Trp87Ter; replaces tryptophan 87 with a stop codon.
Molecular consequence: nonsense. On other transcripts: non-coding transcript variant (1).
Genome position (GRCh38, 1-based): chr4:88,007,994, G>A. VCF-style: chr4-88007994-G-A. GRCh37 (hg19) VCF-style: chr4-88929146-G-A.
Other names: p.Trp87*; short protein forms W87*.
Identifiers: ClinVar variation 805202 (VCV000805202.3), dbSNP rs1578111345, ClinGen allele CA357625910.